The following is an entry in ClinVar:

NC_000023.11:g.(?_31657980)_(31658154_?)dup

Gene: DMD (dystrophin; minus strand). Cytogenetic location: Xp21.1.
Variant type: Duplication.
Identifiers: ClinVar variation 832191 (VCV000832191.8).

ClinVar aggregate classification (germline): Likely pathogenic (1 of 4 stars; one submission).

Conditions:
Duchenne muscular dystrophy (DMD). Also called: Duchenne Muscular Dystrophy (DMD); MUSCULAR DYSTROPHY, PSEUDOHYPERTROPHIC PROGRESSIVE, DUCHENNE TYPE. Identifiers: Orphanet 98896, MedGen C0013264, MONDO:0010679, OMIM 310200.

Submission:

Labcorp Genetics (formerly Invitae), Labcorp
Classification: Likely pathogenic for Duchenne muscular dystrophy. Last evaluated: 2019-10-29. Review status: criteria provided, single submitter. Criteria: Invitae Variant Classification Sherloc (09022015). Collection method: clinical testing. Allele origin: germline.
Comment: In summary, the currently available evidence indicates that the variant is pathogenic, but additional data are needed to prove that conclusively. Therefore, this variant has been classified as Likely Pathogenic. Loss-of-function variants in DMD are known to be pathogenic (PMID: 16770791, 25007885). A similar copy number gain of exon 54 has been observed in an individual with Duchenne muscular dystrophy (PMID: 12111668). This variant results in a copy number gain of the genomic region encompassing exon 54 of the DMD gene. While the exact position of this variant cannot be determined from this data, sub-genic copy number gains are generally in tandem (PMID: 25640679) and may result in an absent or disrupted protein product.

Literature cited by the submitters: PubMed 16770791; PubMed 25007885; PubMed 12111668; PubMed 25640679.